The following is an entry in ClinVar:

NM_001349253.2(SCN11A):c.881C>G (p.Pro294Arg)

Gene: SCN11A (sodium voltage-gated channel alpha subunit 11; minus strand). Cytogenetic location: 3p22.2.
Variant type: single nucleotide variant.
Coding change: c.881C>G on transcript NM_001349253.2 (MANE Select); coding-DNA position 881, C replaced by G.
Protein change: p.Pro294Arg; replaces proline 294 with arginine.
Molecular consequence: missense variant.
Genome position (GRCh38, 1-based): chr3:38,921,087, G>C on the plus strand (C>G on the coding strand, the complement: SCN11A is on the minus strand). VCF-style: chr3-38921087-G-C. GRCh37 (hg19) VCF-style: chr3-38962578-G-C.
Other names: c.881C>G, p.Pro294Arg (NM_014139.3); short protein forms P294R.
Identifiers: ClinVar variation 4782885 (VCV004782885.1).
Genomic context (GRCh38, chr3:38,921,087, plus strand): 5'-AAGTTAACCATGCAAAAACCAAGGAGTGAAAGAAAGGTTGGGTATTTACCATAAGCTTCC[G>C]GGTTACTGATATTTTTACAGTCCCTCGAGATGCATTTCAGGTTCAGACTTCCCATGAAGA-3'
Protein context (NP_001336182.1, residues 284-304): ISRDCKNISN[Pro294Arg]EAYDHCFEKK

ClinVar aggregate classification (germline): Uncertain significance (1 of 4 stars; one submission).

Conditions:
Familial episodic pain syndrome with predominantly lower limb involvement. Also called: Episodic pain syndrome, familial, 3. Identifiers: Orphanet 391384, Orphanet 391392, MedGen C3809899, MONDO:0014247, OMIM 615552.
Hereditary sensory and autonomic neuropathy type 7. Also called: HSAN VII; Neuropathy, hereditary sensory and autonomic, type VII. Identifiers: Orphanet 391397, MedGen C3809882, MONDO:0014244, OMIM 615548.

Submission:

Labcorp Genetics (formerly Invitae), Labcorp
Classification: Uncertain significance for Familial episodic pain syndrome with predominantly lower limb involvement; Hereditary sensory and autonomic neuropathy type 7. Last evaluated: 2025-04-23. Review status: criteria provided, single submitter. Criteria: Invitae Variant Classification Sherloc (09022015). Collection method: clinical testing. Allele origin: germline.
Comment: This sequence change replaces proline, which is neutral and non-polar, with arginine, which is basic and polar, at codon 294 of the SCN11A protein (p.Pro294Arg). This variant is not present in population databases (gnomAD no frequency). This variant has not been reported in the literature in individuals affected with SCN11A-related conditions. Invitae Evidence Modeling of protein sequence and biophysical properties (such as structural, functional, and spatial information, amino acid conservation, physicochemical variation, residue mobility, and thermodynamic stability) indicates that this missense variant is not expected to disrupt SCN11A protein function with a negative predictive value of 80%. In summary, the available evidence is currently insufficient to determine the role of this variant in disease. Therefore, it has been classified as a Variant of Uncertain Significance.